The following is an entry in ClinVar:

NM_018117.12(WDR11):c.2198A>G (p.Asn733Ser)

Gene: WDR11 (WD repeat domain 11; plus strand). Cytogenetic location: 10q26.12.
Variant type: single nucleotide variant.
Coding change: c.2198A>G on transcript NM_018117.12 (MANE Select); coding-DNA position 2198, A replaced by G.
Protein change: p.Asn733Ser; replaces asparagine 733 with serine.
Molecular consequence: missense variant.
Genome position (GRCh38, 1-based): chr10:120,889,154, A>G. VCF-style: chr10-120889154-A-G. GRCh37 (hg19) VCF-style: chr10-122648666-A-G.
Other names: c.2198A>G (NM_018117.11); short protein forms N733S.
Identifiers: ClinVar variation 2901759 (VCV002901759.4), dbSNP rs372924455, ClinGen allele CA5719951.

ClinVar aggregate classification (germline): Uncertain significance. Review status: criteria provided, multiple submitters, no conflicts (2 of 4 stars). 2 submissions from 2 submitters: Uncertain significance (2). Last evaluated 2023-07-26.

Allele frequency attached by ClinVar (database versions not stated): gnomAD exomes below 0.00001; gnomAD 0.00001; TOPMed 0.00001; ESP Exome Variant Server 0.00008.
gnomAD v4.1: 3 of 1,613,730 alleles (0.00019%); highest among the groups gnomAD compares: African/African-American, 0.0027%; no homozygotes.

Submissions (2):

GeneDx
Classification: Uncertain significance. Last evaluated: 2023-07-26. Review status: criteria provided, single submitter. Criteria: GeneDx Variant Classification Process June 2021. Collection method: clinical testing. Allele origin: germline. Affected: yes.
Comment: Not observed at significant frequency in large population cohorts (gnomAD); In silico analysis supports that this missense variant does not alter protein structure/function; Has not been previously published as pathogenic or benign to our knowledge

Labcorp Genetics (formerly Invitae), Labcorp
Classification: Uncertain significance. Last evaluated: 2023-06-21. Review status: criteria provided, single submitter. Criteria: Invitae Variant Classification Sherloc (09022015). Collection method: clinical testing. Allele origin: germline.
Comment: This sequence change replaces asparagine, which is neutral and polar, with serine, which is neutral and polar, at codon 733 of the WDR11 protein (p.Asn733Ser). This variant is present in population databases (rs372924455, gnomAD 0.004%). This variant has not been reported in the literature in individuals affected with WDR11-related conditions. An algorithm developed to predict the effect of missense changes on protein structure and function (PolyPhen-2) suggests that this variant is likely to be tolerated. In summary, the available evidence is currently insufficient to determine the role of this variant in disease. Therefore, it has been classified as a Variant of Uncertain Significance.